The following is an entry in ClinVar:

NM_001277115.2(DNAH11):c.6298_6299dup (p.Asn2101fs)

Gene: DNAH11 (dynein axonemal heavy chain 11; plus strand). Cytogenetic location: 7p15.3.
Variant type: Duplication.
Coding change: c.6298_6299dup on transcript NM_001277115.2 (MANE Select); coding-DNA positions 6298 to 6299, 2 bases duplicated (TT; older notation c.6298_6299dupTT).
Protein change: p.Asn2101fs; shifts the reading frame from asparagine 2101.
Molecular consequence: frameshift variant.
Genome position (GRCh38, 1-based): chr7:21,704,458-21,704,459, TT duplicated; duplicating any 2 consecutive bases within chr7:21,704,457-21,704,459 gives the same sequence; the c. name uses the placement nearest the transcript's 3' end. VCF-style (leftmost placement, unchanged base first): chr7-21704456-A-ATT. GRCh37 (hg19) VCF-style: chr7-21744074-A-ATT.
Other names: short protein forms N2101fs.
Identifiers: ClinVar variation 1456982 (VCV001456982.6), dbSNP rs2128479064, ClinGen allele CA2573142019.

ClinVar aggregate classification (germline): Pathogenic (1 of 4 stars; one submission).

Conditions:
Primary ciliary dyskinesia. Also called: Ciliary dyskinesia. Identifiers: Orphanet 244, MedGen C0008780, MONDO:0016575, HP:0012265.

Submission:

Labcorp Genetics (formerly Invitae), Labcorp
Classification: Pathogenic for Primary ciliary dyskinesia. Last evaluated: 2021-04-24. Review status: criteria provided, single submitter. Criteria: Invitae Variant Classification Sherloc (09022015). Collection method: clinical testing. Allele origin: germline.
Comment: For these reasons, this variant has been classified as Pathogenic. This variant has not been reported in the literature in individuals with DNAH11-related conditions. This variant is not present in population databases (ExAC no frequency). This sequence change creates a premature translational stop signal (p.Asn2101Serfs*6) in the DNAH11 gene. It is expected to result in an absent or disrupted protein product. Loss-of-function variants in DNAH11 are known to be pathogenic (PMID: 18022865, 20513915, 22184204).

Literature cited by the submitters: PubMed 18022865; PubMed 20513915; PubMed 22184204.